The following is an entry in ClinVar:

NM_006206.6(PDGFRA):c.3221_3222delinsCC (p.Asp1074Ala)

Gene: PDGFRA (platelet derived growth factor receptor alpha; plus strand). Cytogenetic location: 4q12.
Variant type: Indel.
Coding change: c.3221_3222delinsCC on transcript NM_006206.6 (MANE Select); coding-DNA positions 3221 to 3222, AT replaced by CC.
Protein change: p.Asp1074Ala; replaces aspartic acid 1074 with alanine.
Molecular consequence: missense variant.
Genome position (GRCh38, 1-based): chr4:54,295,223-54,295,224, AT replaced by CC. VCF-style: chr4-54295223-AT-CC. GRCh37 (hg19) VCF-style: chr4-55161390-AT-CC.
Other names: c.3296_3297delinsCC, p.Asp1099Ala (NM_001347828.2); c.3221_3222delinsCC, p.Asp1074Ala (NM_001347829.2); c.3260_3261delinsCC, p.Asp1087Ala (NM_001347830.2); short protein forms D1074A, D1087A, D1099A.
Identifiers: ClinVar variation 1024705 (VCV001024705.7), dbSNP rs1724825892, ClinGen allele CA1458544642.
Genomic context (GRCh38, chr4:54,295,223, plus strand): 5'-CCAGCAGTTCCACCTTCATCAAGAGAGAGGACGAGACCATTGAAGACATCGACATGATGG[AT>CC]GACATCGGCATAGACTCTTCAGACCTGGTGGAAGACAGCTTCCTGTAACTGGCGGATTCG-3'
Protein context (NP_006197.1, residues 1064-1084): DETIEDIDMM[Asp1074Ala]DIGIDSSDLV

ClinVar aggregate classification (germline): Uncertain significance (1 of 4 stars; one submission).

Conditions:
Gastrointestinal stromal tumor. Also called: Gastrointestinal stromal tumor, somatic; Gastrointestinal stroma tumor. Identifiers: Orphanet 44890, MedGen C0238198, MeSH D046152, MONDO:0011719, OMIM 606764, HP:0100723.

Submission:

Labcorp Genetics (formerly Invitae), Labcorp
Classification: Uncertain significance for Gastrointestinal stromal tumor. Last evaluated: 2020-10-07. Review status: criteria provided, single submitter. Criteria: Invitae Variant Classification Sherloc (09022015). Collection method: clinical testing. Allele origin: germline.
Comment: This sequence change replaces aspartic acid with alanine at codon 1074 of the PDGFRA protein (p.Asp1074Ala). The aspartic acid residue is highly conserved and there is a moderate physicochemical difference between aspartic acid and alanine. The frequency data for this variant in the population databases is not available, as this variant may be reported as separate entries in the ExAC database. In summary, the available evidence is currently insufficient to determine the role of this variant in disease. Therefore, it has been classified as a Variant of Uncertain Significance. Algorithms developed to predict the effect of missense changes on protein structure and function are either unavailable or do not agree on the potential impact of this missense change (SIFT: "Not Available"; PolyPhen-2: "Probably Damaging"; Align-GVGD: "Not Available"). This variant has not been reported in the literature in individuals with PDGFRA-related conditions.